The following is an entry in ClinVar:

NM_130384.3(ATRIP):c.125C>A (p.Ala42Asp)

Genes: ATRIP (ATR interacting protein; plus strand), ATRIP-TREX1 (ATRIP-TREX1 readthrough; plus strand), LOC129936703 (ATAC-STARR-seq lymphoblastoid silent region 14331; plus strand). Cytogenetic location: 3p21.31.
Variant type: single nucleotide variant.
Coding change: c.125C>A on transcript NM_130384.3 (MANE Select); coding-DNA position 125, C replaced by A.
Protein change: p.Ala42Asp; replaces alanine 42 with aspartic acid.
Molecular consequence: missense variant. On other transcripts: non-coding transcript variant (1), intron variant (1).
Genome position (GRCh38, 1-based): chr3:48,446,970, C>A. VCF-style: chr3-48446970-C-A. GRCh37 (hg19) VCF-style: chr3-48488374-C-A.
Other names: c.125C>A, p.Ala42Asp (NM_032166.4); c.-218+171C>A (NM_001271022.2); short protein forms A42D.
Identifiers: ClinVar variation 3976832 (VCV003976832.1).

ClinVar aggregate classification (germline): Uncertain significance (1 of 4 stars; one submission).

Submission:

Ambry Genetics
Classification: Uncertain significance. Last evaluated: 2025-05-25. Review status: criteria provided, single submitter. Criteria: Ambry Variant Classification Scheme 2023. Collection method: clinical testing. Allele origin: germline.
Comment: The p.A42D variant (also known as c.125C>A), located in coding exon 1 of the ATRIP gene, results from a C to A substitution at nucleotide position 125. The alanine at codon 42 is replaced by aspartic acid, an amino acid with dissimilar properties. This amino acid position is conserved. In addition, this alteration is predicted to be tolerated by in silico analysis. Based on the available evidence, the clinical significance of this variant remains unclear.